The following is an entry in ClinVar:

NM_001042492.3(NF1):c.1A>C (p.Met1Leu)

Genes: MIR4733HG (MIR4733 host gene; minus strand), NF1 (neurofibromin 1; plus strand), LOC111811965 (NF1 (neurofibromin 1) promoter region; plus strand). Cytogenetic location: 17q11.2.
Variant type: single nucleotide variant.
Coding change: c.1A>C on transcript NM_001042492.3 (MANE Select); coding-DNA position 1, A replaced by C.
Protein change: p.Met1Leu; changes the start codon (methionine 1).
Molecular consequence: missense variant, initiator codon variant. On other transcripts: non-coding transcript variant (1).
Genome position (GRCh38, 1-based): chr17:31,095,310, A>C. VCF-style: chr17-31095310-A-C. GRCh37 (hg19) VCF-style: chr17-29422328-A-C.
Other names: c.1A>C, p.Met1Leu (NM_000267.4, NM_001128147.3); short protein forms M1L.
Identifiers: ClinVar variation 694505 (VCV000694505.7), dbSNP rs1060500252, ClinGen allele CA398979141.

ClinVar aggregate classification (germline): Pathogenic/Likely pathogenic. Review status: criteria provided, multiple submitters, no conflicts (2 of 4 stars). 5 submissions from 5 submitters: Pathogenic (3); Likely pathogenic (1). 1 of the submissions does not count toward it. Last evaluated 2025-11-12.

Conditions:
Neurofibromatosis, type 1 (NF1). Also called: Peripheral type neurofibromatosis; VON RECKLINGHAUSEN DISEASE; Neurofibromatosis, type I; NEUROFIBROMATOSIS, TYPE I, SOMATIC. Identifiers: Orphanet 636, MedGen C0027831, MONDO:0018975, OMIM 162200. Disease mechanism: loss of function.
NF1-related disorder. Also called: NF1-related condition. Identifiers: MedGen CN379171.
Cardiovascular phenotype. Identifiers: MedGen CN230736.
Hereditary cancer-predisposing syndrome. Also called: Tumor predisposition; Hereditary neoplastic syndrome; Hereditary Cancer Syndrome; Neoplastic Syndromes, Hereditary. Identifiers: Orphanet 140162, MedGen C0027672, MeSH D009386, MONDO:0015356.

Submissions (5):

Ambry Genetics
Classification: Pathogenic for Cardiovascular phenotype; Hereditary cancer-predisposing syndrome. Last evaluated: 2025-11-12. Review status: criteria provided, single submitter. Criteria: Ambry Variant Classification Scheme 2023. Collection method: clinical testing. Allele origin: germline.
Comment: The p.M1? variant (also known as c.1A>C) is located in coding exon 1 of the NF1 gene and results from a A to C substitution at nucleotide position 1. This alters the methionine residue at the initiation codon (ATG). This variant was reported in individuals with features consistent with neurofibromatosis type 1 (Kang et al. J Hum Genet 2020 Jan;65(2):79-89; Abdel-Aziz et al. Mol Genet Genomic Med 2021 Dec;9(12):e1631; Mudau et al. Front Genet 2024 Mar;15:1331278). This variant is considered to be rare based on population cohorts in the Genome Aggregation Database (gnomAD). In addition to the clinical data presented in the literature, sequence variations that modify the initiation codon are expected to result in either loss of translation initiation, N-terminal truncation, or cause a shift in the mRNA reading frame. Based on the supporting evidence, this variant is interpreted as a disease-causing mutation.

GeneDx
Classification: Pathogenic. Last evaluated: 2024-07-17. Review status: criteria provided, single submitter. Criteria: GeneDx Variant Classification Process June 2021. Collection method: clinical testing. Allele origin: germline. Affected: yes.
Comment: Initiation codon variant in a gene for which loss of function is a known mechanism of disease; Not observed at significant frequency in large population cohorts (gnomAD); This variant is associated with the following publications: (PMID: 32154576, 31776437, 34080803, 38596211)

Blueprint Genetics
Classification: Pathogenic for NF1-related disorders. Last evaluated: 2024-03-14. Review status: criteria provided, single submitter. Criteria: ACMG Guidelines, 2015. Collection method: clinical testing. Allele origin: germline. Affected: yes. Observed: 1 variant allele.

Medical Molecular Genetics Department, National Research Center
Classification: Likely pathogenic for Neurofibromatosis, type 1. Review status: criteria provided, single submitter. Criteria: ACMG Guidelines, 2015. Collection method: clinical testing. Allele origin: de novo. Affected: yes. Observed: 1 variant allele.

Division of Human Genetics, National Health Laboratory Service/University of the Witwatersrand
Classification: Likely pathogenic for Neurofibromatosis, type 1. Review status: no assertion criteria provided. Collection method: research. Allele origin: unknown. Affected: yes. Observed: 1 variant allele. Not counted in ClinVar's aggregate classification.

Literature cited by the submitters: PubMed 31776437 (cited by Ambry Genetics); PubMed 34080803 (cited by Ambry Genetics); PubMed 38596211 (cited by Ambry Genetics).